The following is an entry in ClinVar:

ClinVar aggregate classification (germline): Likely benign. Review status: criteria provided, multiple submitters, no conflicts (2 of 4 stars). 2 submissions from 2 submitters: Likely benign (2). Last evaluated 2026-02-06.

Conditions:
PKHD1-related disorder. Also called: PKHD1-related condition.
Autosomal recessive polycystic kidney disease (ARPKD). Also called: AR polycystic kidney disease. Identifiers: Orphanet 731, Orphanet 8378, MedGen C0085548, MeSH D017044, MONDO:0009889.

Allele frequency attached by ClinVar (database versions not stated): gnomAD exomes below 0.00001 and 0.00001; gnomAD 0.00001.
gnomAD v4.1: 4 of 1,613,798 alleles (0.00025%); highest among the groups gnomAD compares: Admixed American, 0.0067%; no homozygotes.

Submissions (2):

PreventionGenetics, part of Exact Sciences
Classification: Likely benign for PKHD1-related condition. Last evaluated: 2026-02-06. Review status: criteria provided, single submitter. Criteria: ACMG Guidelines, 2015. Collection method: clinical testing. Allele origin: germline.
Comment: This variant is classified as likely benign based on ACMG/AMP sequence variant interpretation guidelines (Richards et al. 2015 PMID: 25741868, with internal and published modifications).

Labcorp Genetics (formerly Invitae), Labcorp
Classification: Likely benign for Autosomal recessive polycystic kidney disease. Last evaluated: 2025-09-20. Review status: criteria provided, single submitter. Criteria: Invitae Variant Classification Sherloc (09022015). Collection method: clinical testing. Allele origin: germline.

NM_138694.4(PKHD1):c.10866C>T (p.Cys3622=)

Gene: PKHD1 (PKHD1 ciliary IPT domain containing fibrocystin/polyductin; minus strand). Cytogenetic location: 6p12.3.
Variant type: single nucleotide variant.
Coding change: c.10866C>T on transcript NM_138694.4 (MANE Select); coding-DNA position 10866, C replaced by T.
Protein change: p.Cys3622=; no amino-acid change (cysteine 3622 retained).
Molecular consequence: synonymous variant.
Genome position (GRCh38, 1-based): chr6:51,659,260, G>A on the plus strand (C>T on the coding strand, the complement: PKHD1 is on the minus strand). VCF-style: chr6-51659260-G-A. GRCh37 (hg19) VCF-style: chr6-51524058-G-A.
Other names: c.10866C>T (NM_138694.3).
Identifiers: ClinVar variation 1543526 (VCV001543526.9), dbSNP rs562381413, ClinGen allele CA450612805.
Genomic context (GRCh38, chr6:51,659,260, plus strand): 5'-CATCATGAGAGGCCTACGTTGACCAACTCTTCTATAATGACTAGTGCAAGTCACAGTAGG[G>A]CAATTGCGCTTTCTTTTTGCTCTACTGTCAGCAATGGCCTTTAAGGTCTCTTCATGGCCA-3'
Protein context (NP_619639.3, residues 3612-3632): ADSRAKRKRN[Cys3622=]PTVTCTSHYR